The following is an entry in ClinVar:

NM_005045.4(RELN):c.9233A>G (p.Asn3078Ser)

Genes: SLC26A5-AS1 (SLC26A5 antisense RNA 1; plus strand), RELN (reelin; minus strand). Cytogenetic location: 7q22.1.
Variant type: single nucleotide variant.
Coding change: c.9233A>G on transcript NM_005045.4 (MANE Select); coding-DNA position 9233, A replaced by G.
Protein change: p.Asn3078Ser; replaces asparagine 3078 with serine.
Molecular consequence: missense variant.
Genome position (GRCh38, 1-based): chr7:103,495,859, T>C on the plus strand (A>G on the coding strand, the complement: RELN is on the minus strand). VCF-style: chr7-103495859-T-C. GRCh37 (hg19) VCF-style: chr7-103136306-T-C.
Other names: c.9233A>G, p.Asn3078Ser (NM_173054.3); short protein forms N3078S.
Identifiers: ClinVar variation 2935373 (VCV002935373.3), dbSNP rs2485740170, ClinGen allele CA368749320.
Genomic context (GRCh38, chr7:103,495,859, plus strand): 5'-TTATTTGGCCAATAGAGGTGAAAGGATGGATTGCCACAAAATCCTGCTGTCCTTACAGCA[T>C]TAGGGTAAAAACTCCAGTTTTCTTCATGGGAAGTGCCTTCTGTTAAGGAAAATTGGAAGC-3'
Protein context (NP_005036.2, residues 3068-3088): SHEENWSFYP[Asn3078Ser]AVRTAGFCGN

ClinVar aggregate classification (germline): Uncertain significance (1 of 4 stars; one submission).

Conditions:
Familial temporal lobe epilepsy 7. Identifiers: Orphanet 101046, MedGen C4225327, MONDO:0014639, OMIM 616436.
Norman-Roberts syndrome (LIS2). Also called: Lissencephaly 2 (Norman-Roberts type). Identifiers: Orphanet 89844, MedGen C0796089, MONDO:0009760, OMIM 257320.

Submission:

Labcorp Genetics (formerly Invitae), Labcorp
Classification: Uncertain significance for Familial temporal lobe epilepsy 7; Norman-Roberts syndrome. Last evaluated: 2023-06-10. Review status: criteria provided, single submitter. Criteria: Invitae Variant Classification Sherloc (09022015). Collection method: clinical testing. Allele origin: germline.
Comment: In summary, the available evidence is currently insufficient to determine the role of this variant in disease. Therefore, it has been classified as a Variant of Uncertain Significance. Advanced modeling of protein sequence and biophysical properties (such as structural, functional, and spatial information, amino acid conservation, physicochemical variation, residue mobility, and thermodynamic stability) performed at Invitae indicates that this missense variant is not expected to disrupt RELN protein function. This variant has not been reported in the literature in individuals affected with RELN-related conditions. This variant is not present in population databases (gnomAD no frequency). This sequence change replaces asparagine, which is neutral and polar, with serine, which is neutral and polar, at codon 3078 of the RELN protein (p.Asn3078Ser).